The following is an entry in ClinVar:

ClinVar aggregate classification (germline): Uncertain significance (1 of 4 stars; one submission).

Submission:

Labcorp Genetics (formerly Invitae), Labcorp
Classification: Uncertain significance. Last evaluated: 2022-06-29. Review status: criteria provided, single submitter. Criteria: Invitae Variant Classification Sherloc (09022015). Collection method: clinical testing. Allele origin: germline.
Comment: A copy number gain of the genomic region encompassing the full coding sequence of the DCHS1 gene has been identified. The boundaries of this event are unknown as they extend beyond the assayed region for this gene and therefore may encompass additional genes. As the precise location of this event is unknown, it may be in tandem or it may be located elsewhere in the genome. In summary, the available evidence is currently insufficient to determine the role of this variant in disease. Therefore, it has been classified as a Variant of Uncertain Significance. This variant has not been reported in the literature in individuals affected with DCHS1-related conditions.

NC_000011.9:g.(?_6625502)_(6662844_?)dup

Genes: DCHS1 (dachsous cadherin-related 1; minus strand), ILK (integrin linked kinase; plus strand), TAF10 (TATA-box binding protein associated factor 10; minus strand), TPP1 (tripeptidyl peptidase 1; minus strand). Cytogenetic location: 11p15.4.
Variant type: Duplication.
Identifiers: ClinVar variation 2424751 (VCV002424751.4).